The following is an entry in ClinVar:

ClinVar aggregate classification (germline): Uncertain significance. Review status: criteria provided, multiple submitters, no conflicts (2 of 4 stars). 2 submissions from 2 submitters: Uncertain significance (2). Last evaluated 2022-12-08.

Conditions:
Inborn genetic diseases. Identifiers: MedGen C0950123, MeSH D030342.

Allele frequency attached by ClinVar (database versions not stated): gnomAD exomes below 0.00001.
gnomAD v4.1: 1 of 1,612,120 alleles (0.000062%); highest among the groups gnomAD compares: East Asian, 0.0022%; no homozygotes.

Submissions (2):

Women's Health and Genetics/Laboratory Corporation of America, LabCorp
Classification: Uncertain significance. Last evaluated: 2022-12-08. Review status: criteria provided, single submitter. Criteria: LabCorp Variant Classification Summary - May 2015. Collection method: clinical testing. Allele origin: germline.
Comment: Variant summary: TCF20 c.7T>C (p.Ser3Pro) results in a non-conservative amino acid change in the encoded protein sequence. Three of five in-silico tools predict a damaging effect of the variant on protein function. The variant was absent in 250546 control chromosomes (gnomAD). The available data on variant occurrences in the general population are insufficient to allow any conclusion about variant significance. To our knowledge, no occurrence of c.7T>C in individuals affected with Developmental Delay With Variable Intellectual Impairment And Behavioral Abnormalities or other TCF20-related disorders and no experimental evidence demonstrating its impact on protein function have been reported. No clinical diagnostic laboratories have submitted clinical-significance assessments for this variant to ClinVar after 2014. Based on the evidence outlined above, the variant was classified as uncertain significance.

Ambry Genetics
Classification: Uncertain significance for Inborn genetic diseases. Last evaluated: 2021-10-12. Review status: criteria provided, single submitter. Criteria: Ambry Variant Classification Scheme 2023. Collection method: clinical testing. Allele origin: germline.

NM_001378418.1(TCF20):c.7T>C (p.Ser3Pro)

Gene: TCF20 (transcription factor 20; minus strand). Cytogenetic location: 22q13.2.
Variant type: single nucleotide variant.
Coding change: c.7T>C on transcript NM_001378418.1 (MANE Select); coding-DNA position 7, T replaced by C.
Protein change: p.Ser3Pro; replaces serine 3 with proline.
Molecular consequence: missense variant.
Genome position (GRCh38, 1-based): chr22:42,215,299, A>G on the plus strand (T>C on the coding strand, the complement: TCF20 is on the minus strand). VCF-style: chr22-42215299-A-G. GRCh37 (hg19) VCF-style: chr22-42611305-A-G.
Other names: c.7T>C, p.Ser3Pro (NM_005650.4, NM_181492.3); c.7T>C (NM_005650.1); short protein forms S3P.
Identifiers: ClinVar variation 1878255 (VCV001878255.4), dbSNP rs2518250283, ClinGen allele CA411793925.